The following is an entry in ClinVar:

NM_000057.4(BLM):c.1965G>T (p.Met655Ile)

Gene: BLM (BLM RecQ like helicase; plus strand). Cytogenetic location: 15q26.1.
Variant type: single nucleotide variant.
Coding change: c.1965G>T on transcript NM_000057.4 (MANE Select); coding-DNA position 1965, G replaced by T.
Protein change: p.Met655Ile; replaces methionine 655 with isoleucine.
Molecular consequence: missense variant.
Genome position (GRCh38, 1-based): chr15:90,763,048, G>T. VCF-style: chr15-90763048-G-T. GRCh37 (hg19) VCF-style: chr15-91306278-G-T.
Other names: c.1965G>T, p.Met655Ile (NM_001287246.2, NM_001287247.2); c.840G>T, p.Met280Ile (NM_001287248.2); short protein forms M280I, M655I.
Identifiers: ClinVar variation 2452558 (VCV002452558.2), dbSNP rs369777747, ClinGen allele CA393844244.

ClinVar aggregate classification (germline): Uncertain significance (1 of 4 stars; one submission).

Conditions:
Hereditary cancer-predisposing syndrome. Also called: Neoplastic Syndromes, Hereditary; Tumor predisposition; Hereditary neoplastic syndrome; Hereditary Cancer Syndrome. Identifiers: Orphanet 140162, MedGen C0027672, MeSH D009386, MONDO:0015356.

Submission:

Ambry Genetics
Classification: Uncertain significance for Hereditary cancer-predisposing syndrome. Last evaluated: 2023-01-31. Review status: criteria provided, single submitter. Criteria: Ambry Variant Classification Scheme 2023. Collection method: clinical testing. Allele origin: germline.
Comment: The p.M655I variant (also known as c.1965G>T), located in coding exon 7 of the BLM gene, results from a G to T substitution at nucleotide position 1965. The methionine at codon 655 is replaced by isoleucine, an amino acid with highly similar properties. This amino acid position is conserved. In addition, the in silico prediction for this alteration is inconclusive. Since supporting evidence is limited at this time, the clinical significance of this alteration remains unclear.